The following is an entry in ClinVar:

ClinVar aggregate classification (germline): Uncertain significance. Review status: criteria provided, multiple submitters, no conflicts (2 of 4 stars). 2 submissions from 2 submitters: Uncertain significance (2). Last evaluated 2024-09-30.

Allele frequency attached by ClinVar (database versions not stated): gnomAD exomes below 0.00001 and 0.00002; gnomAD 0.00001; TOPMed 0.00001; ExAC 0.00002.
gnomAD v4.1: 10 of 1,612,944 alleles (0.00062%); highest among the groups gnomAD compares: East Asian, 0.0045%; no homozygotes.

Submissions (2):

Blueprint Genetics
Classification: Uncertain significance. Last evaluated: 2024-09-30. Review status: criteria provided, single submitter. Criteria: ACMG Guidelines, 2015. Collection method: clinical testing. Allele origin: germline.

Labcorp Genetics (formerly Invitae), Labcorp
Classification: Uncertain significance. Last evaluated: 2022-03-10. Review status: criteria provided, single submitter. Criteria: Invitae Variant Classification Sherloc (09022015). Collection method: clinical testing. Allele origin: germline.
Comment: This sequence change replaces threonine, which is neutral and polar, with methionine, which is neutral and non-polar, at codon 133 of the AGBL5 protein (p.Thr133Met). This variant is present in population databases (rs769641954, gnomAD 0.02%). This variant has not been reported in the literature in individuals affected with AGBL5-related conditions. Algorithms developed to predict the effect of missense changes on protein structure and function (SIFT, PolyPhen-2, Align-GVGD) all suggest that this variant is likely to be tolerated. In summary, the available evidence is currently insufficient to determine the role of this variant in disease. Therefore, it has been classified as a Variant of Uncertain Significance.

NM_021831.6(AGBL5):c.398C>T (p.Thr133Met)

Gene: AGBL5 (AGBL carboxypeptidase 5; plus strand). Cytogenetic location: 2p23.3.
Variant type: single nucleotide variant.
Coding change: c.398C>T on transcript NM_021831.6 (MANE Select); coding-DNA position 398, C replaced by T.
Protein change: p.Thr133Met; replaces threonine 133 with methionine.
Molecular consequence: missense variant. On other transcripts: non-coding transcript variant (2).
Genome position (GRCh38, 1-based): chr2:27,053,906, C>T. VCF-style: chr2-27053906-C-T. GRCh37 (hg19) VCF-style: chr2-27276774-C-T.
Other names: c.398C>T, p.Thr133Met (NM_001035507.3); short protein forms T133M.
Identifiers: ClinVar variation 1443464 (VCV001443464.6), dbSNP rs769641954, ClinGen allele CA1567629.